The following is an entry in ClinVar:

NM_000218.3(KCNQ1):c.7G>C (p.Ala3Pro)

Gene: KCNQ1 (potassium voltage-gated channel subfamily Q member 1; plus strand). Cytogenetic location: 11p15.5.
Variant type: single nucleotide variant.
Coding change: c.7G>C on transcript NM_000218.3 (MANE Select); coding-DNA position 7, G replaced by C.
Protein change: p.Ala3Pro; replaces alanine 3 with proline.
Molecular consequence: missense variant.
Genome position (GRCh38, 1-based): chr11:2,445,105, G>C. VCF-style: chr11-2445105-G-C. GRCh37 (hg19) VCF-style: chr11-2466335-G-C.
Other names: c.7G>C, p.Ala3Pro (NM_001406836.1, NM_001406838.1); c.-356G>C (NM_001406837.1); short protein forms A3P.
Identifiers: ClinVar variation 1996502 (VCV001996502.4), dbSNP rs2496740426, ClinGen allele CA379115687.

ClinVar aggregate classification (germline): Uncertain significance (1 of 4 stars; one submission).

Conditions:
Long QT syndrome (LQTS). Identifiers: MedGen C0023976, MeSH D008133, MONDO:0002442. Disease mechanism: loss of function. Inheritance: Various modes of inheritance.

Submission:

Labcorp Genetics (formerly Invitae), Labcorp
Classification: Uncertain significance for Long QT syndrome. Last evaluated: 2022-05-19. Review status: criteria provided, single submitter. Criteria: Invitae Variant Classification Sherloc (09022015). Collection method: clinical testing. Allele origin: germline.
Comment: Algorithms developed to predict the effect of missense changes on protein structure and function (SIFT, PolyPhen-2, Align-GVGD) all suggest that this variant is likely to be tolerated. This sequence change replaces alanine, which is neutral and non-polar, with proline, which is neutral and non-polar, at codon 3 of the KCNQ1 protein (p.Ala3Pro). The frequency data for this variant in the population databases is considered unreliable, as metrics indicate insufficient coverage at this position in the gnomAD database. This variant has not been reported in the literature in individuals affected with KCNQ1-related conditions. In summary, the available evidence is currently insufficient to determine the role of this variant in disease. Therefore, it has been classified as a Variant of Uncertain Significance.